The following is an entry in ClinVar:

NM_016204.4(GDF2):c.825del (p.Met275fs)

Gene: GDF2 (growth differentiation factor 2; plus strand). Cytogenetic location: 10q11.22.
Variant type: Deletion.
Coding change: c.825del on transcript NM_016204.4 (MANE Select); coding-DNA position 825, one base deleted (G; older notation c.825delG).
Protein change: p.Met275fs; shifts the reading frame from methionine 275.
Molecular consequence: frameshift variant.
Genome position (GRCh38, 1-based): chr10:47,325,319, G deleted. VCF-style (leftmost placement, unchanged base first): chr10-47325318-TG-T. GRCh37 (hg19) VCF-style: chr10-48414042-TC-T.
Other names: short protein forms M275fs.
Identifiers: ClinVar variation 1362792 (VCV001362792.8), dbSNP rs1555209009, ClinGen allele CA593487638.

ClinVar aggregate classification (germline): Conflicting classifications of pathogenicity. Review status: criteria provided, conflicting classifications (1 of 4 stars). 2 submissions from 2 submitters: Pathogenic (1); Uncertain significance (1). Last evaluated 2024-04-17.

Conditions:
Telangiectasia, hereditary hemorrhagic, type 5 (HHT5). Identifiers: Orphanet 774, MedGen C3809710, MONDO:0014217, OMIM 615506.
Cardiovascular phenotype. Identifiers: MedGen CN230736.

Allele frequency attached by ClinVar (database versions not stated): gnomAD 0.00001.

Submissions (2):

Labcorp Genetics (formerly Invitae), Labcorp
Classification: Pathogenic for Telangiectasia, hereditary hemorrhagic, type 5. Last evaluated: 2024-04-17. Review status: criteria provided, single submitter. Criteria: Invitae Variant Classification Sherloc (09022015). Collection method: clinical testing. Allele origin: germline.
Comment: This sequence change creates a premature translational stop signal (p.Met275Ilefs*40) in the GDF2 gene. While this is not anticipated to result in nonsense mediated decay, it is expected to disrupt the last 155 amino acid(s) of the GDF2 protein. This variant is present in population databases (no rsID available, gnomAD 0.007%). This variant has not been reported in the literature in individuals affected with GDF2-related conditions. ClinVar contains an entry for this variant (Variation ID: 1362792). This variant disrupts a region of the GDF2 protein in which other variant(s) (p.Val423Met) have been determined to be pathogenic (PMID: 30578397, 31727138). This suggests that this is a clinically significant region of the protein, and that variants that disrupt it are likely to be disease-causing. For these reasons, this variant has been classified as Pathogenic.

Ambry Genetics
Classification: Uncertain significance for Cardiovascular phenotype. Last evaluated: 2021-02-25. Review status: criteria provided, single submitter. Criteria: Ambry Variant Classification Scheme 2023. Collection method: clinical testing. Allele origin: germline.
Comment: The c.825delG variant, located in coding exon 2 of the GDF2 gene, results from a deletion of one nucleotide at nucleotide position 825, causing a translational frameshift with a predicted alternate stop codon (p.M275Ifs*40). This alteration occurs at the 3' terminus of theGDF2 gene, is not expected to trigger nonsense-mediated mRNAdecay, and only impacts the last 36% of the protein. The exact functional effect of this alteration is unknown. Furthermore, loss of function of GDF2 has not been clearly established as a mechanism of disease. Since supporting evidence is limited at this time, the clinical significance of this alteration remains unclear.

Literature cited by the submitters: PubMed 30578397 (cited by Labcorp Genetics (formerly Invitae), Labcorp); PubMed 31727138 (cited by Labcorp Genetics (formerly Invitae), Labcorp).